The following is an entry in ClinVar:

ClinVar aggregate classification (germline): Uncertain significance. Review status: criteria provided, multiple submitters, no conflicts (2 of 4 stars). 2 submissions from 2 submitters: Uncertain significance (2). Last evaluated 2025-10-08.

Conditions:
Familial adenomatous polyposis 1 (FAP1). Also called: FAMILIAL ADENOMATOUS POLYPOSIS 1, ATTENUATED; POLYPOSIS, ADENOMATOUS INTESTINAL. Identifiers: MedGen C2713442, MONDO:0021056, OMIM 175100. Disease mechanism: loss of function.
Hereditary cancer-predisposing syndrome. Also called: Hereditary Cancer Syndrome; Tumor predisposition; Hereditary neoplastic syndrome; Neoplastic Syndromes, Hereditary. Identifiers: Orphanet 140162, MedGen C0027672, MeSH D009386, MONDO:0015356.

gnomAD v4.1: 1 of 1,613,044 alleles (0.000062%); highest among the groups gnomAD compares: Non-Finnish European, 0.000085%; no homozygotes.

Submissions (2):

Labcorp Genetics (formerly Invitae), Labcorp
Classification: Uncertain significance for Familial adenomatous polyposis 1. Last evaluated: 2025-10-08. Review status: criteria provided, single submitter. Criteria: Invitae Variant Classification Sherloc (09022015). Collection method: clinical testing. Allele origin: germline.
Comment: This sequence change replaces serine, which is neutral and polar, with threonine, which is neutral and polar, at codon 1837 of the APC protein (p.Ser1837Thr). This variant is not present in population databases (gnomAD no frequency). This variant has not been reported in the literature in individuals affected with APC-related conditions. ClinVar contains an entry for this variant (Variation ID: 645529). Invitae Evidence Modeling of protein sequence and biophysical properties (such as structural, functional, and spatial information, amino acid conservation, physicochemical variation, residue mobility, and thermodynamic stability) indicates that this missense variant is not expected to disrupt APC protein function with a negative predictive value of 95%. In summary, the available evidence is currently insufficient to determine the role of this variant in disease. Therefore, it has been classified as a Variant of Uncertain Significance.

Color Diagnostics, LLC DBA Color Health
Classification: Uncertain significance for Hereditary cancer-predisposing syndrome. Last evaluated: 2024-03-06. Review status: criteria provided, single submitter. Criteria: ACMG Guidelines, 2015. Collection method: clinical testing. Allele origin: germline.
Comment: This missense variant replaces serine with threonine at codon 1837 of the APC protein. Computational prediction suggests that this variant may not impact protein structure and function (internally defined REVEL score threshold <= 0.5, PMID: 27666373). Splice site prediction tools suggest that this variant may not impact RNA splicing. To our knowledge, functional studies have not been performed for this variant. This variant has not been reported in individuals affected with hereditary cancer in the literature. This variant has not been identified in the general population by the Genome Aggregation Database (gnomAD). The available evidence is insufficient to determine the role of this variant in disease conclusively. Therefore, this variant is classified as a Variant of Uncertain Significance.

NM_000038.6(APC):c.5510G>C (p.Ser1837Thr)

Gene: APC (APC regulator of Wnt signaling pathway; plus strand). Cytogenetic location: 5q22.2.
Variant type: single nucleotide variant.
Coding change: c.5510G>C on transcript NM_000038.6 (MANE Select); coding-DNA position 5510, G replaced by C.
Protein change: p.Ser1837Thr; replaces serine 1837 with threonine.
Molecular consequence: missense variant.
Genome position (GRCh38, 1-based): chr5:112,841,104, G>C. VCF-style: chr5-112841104-G-C. GRCh37 (hg19) VCF-style: chr5-112176801-G-C.
Other names: c.5510G>C, p.Ser1837Thr (NM_001127510.3, NM_001354895.2); c.5456G>C, p.Ser1819Thr (NM_001127511.3); c.5564G>C, p.Ser1855Thr (NM_001354896.2); c.5540G>C, p.Ser1847Thr (NM_001354897.2); c.5435G>C, p.Ser1812Thr (NM_001354898.2); c.5426G>C, p.Ser1809Thr (NM_001354899.2); c.5387G>C, p.Ser1796Thr (NM_001354900.2); c.5333G>C, p.Ser1778Thr (NM_001354901.2); and 5 more; short protein forms S1746T, S1778T, S1809T, S1812T, S1796T, S1819T, S1855T, S1554T.
Identifiers: ClinVar variation 645529 (VCV000645529.14), dbSNP rs1580660851, ClinGen allele CA16033386.
Genomic context (GRCh38, chr5:112,841,104, plus strand): 5'-AAAATAATTCCAAGGTCTTCAATGATAAGCTCCCAAATAATGAAGATAGAGTCAGAGGAA[G>C]TTTTGCTTTTGATTCACCTCATCATTACACGCCTATTGAAGGAACTCCTTACTGTTTTTC-3'
Protein context (NP_000029.2, residues 1827-1847): LPNNEDRVRG[Ser1837Thr]FAFDSPHHYT